The following is an entry in ClinVar:

NM_001197104.2(KMT2A):c.9362A>C (p.Asn3121Thr)

Gene: KMT2A (lysine methyltransferase 2A; plus strand). Cytogenetic location: 11q23.3.
Variant type: single nucleotide variant.
Coding change: c.9362A>C on transcript NM_001197104.2 (MANE Select); coding-DNA position 9362, A replaced by C.
Protein change: p.Asn3121Thr; replaces asparagine 3121 with threonine.
Molecular consequence: missense variant.
Genome position (GRCh38, 1-based): chr11:118,505,254, A>C. VCF-style: chr11-118505254-A-C. GRCh37 (hg19) VCF-style: chr11-118375969-A-C.
Other names: c.9452A>C, p.Asn3151Thr (NM_001412597.1); c.9353A>C, p.Asn3118Thr (NM_005933.4); short protein forms N3118T, N3151T, N3121T.
Identifiers: ClinVar variation 3634351 (VCV003634351.2).

ClinVar aggregate classification (germline): Uncertain significance (1 of 4 stars; one submission).

Submission:

Labcorp Genetics (formerly Invitae), Labcorp
Classification: Uncertain significance. Last evaluated: 2024-02-17. Review status: criteria provided, single submitter. Criteria: Invitae Variant Classification Sherloc (09022015). Collection method: clinical testing. Allele origin: germline.
Comment: This sequence change replaces asparagine, which is neutral and polar, with threonine, which is neutral and polar, at codon 3121 of the KMT2A protein (p.Asn3121Thr). This variant is not present in population databases (gnomAD no frequency). This variant has not been reported in the literature in individuals affected with KMT2A-related conditions. Advanced modeling of protein sequence and biophysical properties (such as structural, functional, and spatial information, amino acid conservation, physicochemical variation, residue mobility, and thermodynamic stability) performed at Invitae indicates that this missense variant is not expected to disrupt KMT2A protein function with a negative predictive value of 95%. In summary, the available evidence is currently insufficient to determine the role of this variant in disease. Therefore, it has been classified as a Variant of Uncertain Significance.